The following is an entry in ClinVar:

ClinVar aggregate classification (germline): Uncertain significance (1 of 4 stars; one submission).

Conditions:
Atypical hemolytic-uremic syndrome. Identifiers: Orphanet 2134, MedGen C2931788, MONDO:0016244.

gnomAD v4.1: 8 of 1,614,204 alleles (0.0005%); highest among the groups gnomAD compares: Non-Finnish European, 0.00068%; no homozygotes.

Submission:

Genomenon, Inc
Classification: Uncertain significance for Atypical hemolytic-uremic syndrome. Last evaluated: 2025-09-26. Review status: criteria provided, single submitter. Criteria: Genomenon Sequence Variant Interpretation Standards - Updated. Collection method: curation. Allele origin: germline. Affected: yes.
Comment: CFB p.Asn340Ile (c.1019A>T) is a missense variant that changes the amino acid at residue 340 from Asparagine to Isoleucine. This variant has been observed in at least one proband affected with atypical hemolytic-uremic syndrome (PMID:37466676). It is absent or not present at a significant frequency in gnomAD. In silico models agree that this variant is not damaging. In conclusion, we classify CFB p.Asn340Ile (c.1019A>T) as a variant of uncertain significance.

Literature cited by the submitters: PubMed 37466676.

NM_001710.6(CFB):c.1019A>T (p.Asn340Ile)

Gene: CFB (complement factor B; plus strand). Cytogenetic location: 6p21.33.
Variant type: single nucleotide variant.
Coding change: c.1019A>T on transcript NM_001710.6 (MANE Select); coding-DNA position 1019, A replaced by T.
Protein change: p.Asn340Ile; replaces asparagine 340 with isoleucine.
Molecular consequence: missense variant.
Genome position (GRCh38, 1-based): chr6:31,948,495, A>T. VCF-style: chr6-31948495-A-T. GRCh37 (hg19) VCF-style: chr6-31916272-A-T.
Other names: short protein forms N340I.
Identifiers: ClinVar variation 4280401 (VCV004280401.1).
Genomic context (GRCh38, chr6:31,948,495, plus strand): 5'-TTTGGGTCAAAGTGTCTGAAGCAGACAGCAGTAATGCAGACTGGGTCACGAAGCAGCTCA[A>T]TGAAATCAATTATGAAGGTCAGAGGTTAGGGAATGGTGGGAGGTTCACTTTGGGGTCAGG-3'
Protein context (NP_001701.2, residues 330-350): SNADWVTKQL[Asn340Ile]EINYEDHKLK